The following is an entry in ClinVar:

NM_000806.5(GABRA1):c.-447G>C

Gene: GABRA1 (gamma-aminobutyric acid type A receptor subunit alpha1; plus strand). Cytogenetic location: 5q34.
Variant type: single nucleotide variant.
Coding change: c.-447G>C on transcript NM_000806.5; 447 bases upstream of the start codon, G replaced by C.
Molecular consequence: 5 prime UTR variant.
Genome position (GRCh38, 1-based): chr5:161,847,212, G>C. VCF-style: chr5-161847212-G-C. GRCh37 (hg19) VCF-style: chr5-161274218-G-C.
Identifiers: ClinVar variation 907501 (VCV000907501.34), dbSNP rs184629690, ClinGen allele CA131081582.

ClinVar aggregate classification (germline): Conflicting classifications of pathogenicity. Review status: criteria provided, conflicting classifications (1 of 4 stars). 2 submissions from 2 submitters: Uncertain significance (1); Benign (1). Last evaluated 2022-05-01.

Conditions:
Epilepsy, idiopathic generalized, susceptibility to, 13. Also called: EPILEPSY, JUVENILE MYOCLONIC, SUSCEPTIBILITY TO, 5. Identifiers: Orphanet 307, Orphanet 64280, MedGen C4013473, MONDO:0012627, OMIM 611136.

Allele frequency attached by ClinVar (database versions not stated): 1000 Genomes Project 0.00240; TOPMed 0.00242; 1000 Genomes Project 30x 0.00250.

Submissions (2):

CeGaT Center for Human Genetics Tuebingen
Classification: Benign. Last evaluated: 2022-05-01. Review status: criteria provided, single submitter. Criteria: CeGaT Center For Human Genetics Tuebingen Variant Classification Criteria Version 2. Collection method: clinical testing. Allele origin: germline. Affected: yes. Observed: 1 variant allele.
Comment: GABRA1: BS1, BS2

Illumina Laboratory Services, Illumina
Classification: Uncertain significance for Epilepsy, idiopathic generalized, susceptibility to, 13. Last evaluated: 2018-01-12. Review status: criteria provided, single submitter. Criteria: ICSL Variant Classification Criteria 13 December 2019. Collection method: clinical testing. Allele origin: germline.